The following is an entry in ClinVar:

NM_015506.3(MMACHC):c.427C>T (p.Gln143Ter)

Gene: MMACHC (metabolism of cobalamin associated C; plus strand). Cytogenetic location: 1p34.1.
Variant type: single nucleotide variant.
Coding change: c.427C>T on transcript NM_015506.3 (MANE Select); coding-DNA position 427, C replaced by T.
Protein change: p.Gln143Ter; replaces glutamine 143 with a stop codon.
Molecular consequence: nonsense.
Genome position (GRCh38, 1-based): chr1:45,508,362, C>T. VCF-style: chr1-45508362-C-T. GRCh37 (hg19) VCF-style: chr1-45974034-C-T.
Other names: c.256C>T, p.Gln86Ter (NM_001330540.2); short protein forms Q143*, Q86*.
Identifiers: ClinVar variation 558633 (VCV000558633.3), dbSNP rs1553162868, ClinGen allele CA340132549.
Genomic context (GRCh38, chr1:45,508,362, plus strand): 5'-GTAGCTGGGGCTGCTTACTACTACCAACGACAAGATGTGGAGGCTGACCCATGGGGGAAC[C>T]AGGTGAGAGGGAAAATGTAAATAGAGGCTGAGATAGACTGGTAAAGGCCTCTCCCTACCA-3'

ClinVar aggregate classification (germline): Pathogenic. Review status: criteria provided, single submitter (1 of 4 stars). 2 submissions from 2 submitters: Pathogenic (1). 1 of the submissions does not count toward it. Last evaluated 2025-09-11.

Conditions:
Cobalamin C disease. Also called: Methylmalonic aciduria and homocystinuria, Vitamin B12-responsive; Vitamin B12 metabolic defect with combined deficiency of methylmalonyl-CoA mutase and homocysteine:methyltetrahydrofolate methyltransferase; methylmalonic aciduria and homocystinuria type cblC; Cobalamin-C methylmalonic acidemia and homocystinuria; Methylmalonic acidemia and homocystinuria cblC type; Methylmalonic aciduria with homocystinuria cblC type. Identifiers: Orphanet 26, Orphanet 79282, MedGen C1848561, MONDO:0010184, OMIM 277400.

Submissions (2):

Natera, Inc.
Classification: Pathogenic for Methylmalonic aciduria and homocystinuria cblC type. Last evaluated: 2025-09-11. Review status: criteria provided, single submitter. Criteria: Natera Variant Classification Schema (03/2026). Collection method: clinical testing. Allele origin: germline.
Comment: The c.427C>T variant in MMACHC is a nonsense variant predicted to introduce a stop codon at amino acid 143. This variant is expected to result in nonsense mediated decay, truncation, or a dysfunctional protein product. This variant is rare in the general population with a frequency below the threshold expected for the associated phenotype(s). This variant has been observed in one or more individuals affected with the associated recessive disease, as either homozygous or compound heterozygous with a second variant (PMID: 30863077, 35069678, 36056359). Given the available evidence, this variant is classified as Pathogenic.

Counsyl
Classification: Likely pathogenic for Cobalamin C disease. Last evaluated: 2018-06-01. Review status: no assertion criteria provided. Collection method: clinical testing. Allele origin: unknown. Not counted in ClinVar's aggregate classification.

Literature cited by the submitters: PubMed 30863077 (cited by Natera, Inc.); PubMed 35069678 (cited by Natera, Inc.); PubMed 36056359 (cited by Natera, Inc.).